The following is an entry in ClinVar:

NM_004360.5(CDH1):c.1255G>A (p.Asp419Asn)

Gene: CDH1 (cadherin 1; plus strand). Cytogenetic location: 16q22.1.
Variant type: single nucleotide variant.
Coding change: c.1255G>A on transcript NM_004360.5 (MANE Select); coding-DNA position 1255, G replaced by A.
Protein change: p.Asp419Asn; replaces aspartic acid 419 with asparagine.
Molecular consequence: missense variant. On other transcripts: 5 prime UTR variant (2), intron variant (1).
Genome position (GRCh38, 1-based): chr16:68,813,430, G>A. VCF-style: chr16-68813430-G-A. GRCh37 (hg19) VCF-style: chr16-68847333-G-A.
Other names: c.1255G>A (LRG_301t1); c.-361G>A (NM_001317185.2); c.-565G>A (NM_001317186.2); c.1137+1167G>A (NM_001317184.2); short protein forms D419N.
Identifiers: ClinVar variation 661569 (VCV000661569.9), dbSNP rs1597896057, ClinGen allele CA396461596.
Genomic context (GRCh38, chr16:68,813,430, plus strand): 5'-ACTGATGCTGATGCCCCCAATACCCCAGCGTGGGAGGCTGTATACACCATATTGAATGAT[G>A]ATGGTGGACAATTTGTCGTCACCACAAATCCAGTGAACAACGATGGCATTTTGAAAACAG-3'
Protein context (NP_004351.1, residues 409-429): WEAVYTILND[Asp419Asn]GGQFVVTTNP

ClinVar aggregate classification (germline): Conflicting classifications of pathogenicity. Review status: criteria provided, conflicting classifications (1 of 4 stars). 2 submissions from 2 submitters: Uncertain significance (1); Likely benign (1). Last evaluated 2024-04-22.

Conditions:
Hereditary cancer-predisposing syndrome. Also called: Neoplastic Syndromes, Hereditary; Hereditary neoplastic syndrome; Tumor predisposition; Hereditary Cancer Syndrome. Identifiers: Orphanet 140162, MedGen C0027672, MeSH D009386, MONDO:0015356.
Hereditary diffuse gastric adenocarcinoma (HDGC). Also called: DIFFUSE GASTRIC AND LOBULAR BREAST CANCER SYNDROME. Identifiers: Orphanet 26106, MedGen C1708349, MONDO:0007648, OMIM 137215.

Submissions (2):

Labcorp Genetics (formerly Invitae), Labcorp
Classification: Uncertain significance for Hereditary diffuse gastric adenocarcinoma. Last evaluated: 2024-04-22. Review status: criteria provided, single submitter. Criteria: Invitae Variant Classification Sherloc (09022015). Collection method: clinical testing. Allele origin: germline.
Comment: This sequence change replaces aspartic acid, which is acidic and polar, with asparagine, which is neutral and polar, at codon 419 of the CDH1 protein (p.Asp419Asn). This variant is not present in population databases (gnomAD no frequency). This variant has not been reported in the literature in individuals affected with CDH1-related conditions. ClinVar contains an entry for this variant (Variation ID: 661569). Algorithms developed to predict the effect of missense changes on protein structure and function output the following: SIFT: "Not Available"; PolyPhen-2: "Benign"; Align-GVGD: "Not Available". The asparagine amino acid residue is found in multiple mammalian species, which suggests that this missense change does not adversely affect protein function. In summary, the available evidence is currently insufficient to determine the role of this variant in disease. Therefore, it has been classified as a Variant of Uncertain Significance.

Ambry Genetics
Classification: Likely benign for Hereditary cancer-predisposing syndrome. Last evaluated: 2024-01-29. Review status: criteria provided, single submitter. Criteria: Ambry Variant Classification Scheme 2023. Collection method: clinical testing. Allele origin: germline.